The following is an entry in ClinVar:

NM_182641.4(BPTF):c.6001G>A (p.Val2001Ile)

Gene: BPTF (bromodomain PHD finger transcription factor; plus strand). Cytogenetic location: 17q24.2.
Variant type: single nucleotide variant.
Coding change: c.6001G>A on transcript NM_182641.4 (MANE Select); coding-DNA position 6001, G replaced by A.
Protein change: p.Val2001Ile; replaces valine 2001 with isoleucine.
Molecular consequence: missense variant.
Genome position (GRCh38, 1-based): chr17:67,929,338, G>A. VCF-style: chr17-67929338-G-A. GRCh37 (hg19) VCF-style: chr17-65925454-G-A.
Other names: c.6379G>A, p.Val2127Ile (NM_004459.7); c.6001G>A (NM_182641.3); short protein forms V2001I, V2127I.
Identifiers: ClinVar variation 2970451 (VCV002970451.25), dbSNP rs201775041, ClinGen allele CA8726089.

ClinVar aggregate classification (germline): Conflicting classifications of pathogenicity. Review status: criteria provided, conflicting classifications (1 of 4 stars). 3 submissions from 3 submitters: Uncertain significance (1); Likely benign (2). Last evaluated 2024-03-01.

Conditions:
Inborn genetic diseases. Identifiers: MedGen C0950123, MeSH D030342.

Allele frequency attached by ClinVar (database versions not stated): gnomAD exomes 0.00007; TOPMed 0.00010; gnomAD 0.00011; ExAC 0.00012.
gnomAD v4.1: 108 of 1,611,920 alleles (0.0067%); highest among the groups gnomAD compares: East Asian, 0.025%; no homozygotes.

Submissions (3):

CeGaT Center for Human Genetics Tuebingen
Classification: Likely benign. Last evaluated: 2024-03-01. Review status: criteria provided, single submitter. Criteria: CeGaT Center For Human Genetics Tuebingen Variant Classification Criteria Version 2. Collection method: clinical testing. Allele origin: germline. Affected: yes. Observed: 1 variant allele.
Comment: BPTF: BS2

Ambry Genetics
Classification: Likely benign for Inborn genetic diseases. Last evaluated: 2023-11-28. Review status: criteria provided, single submitter. Criteria: Ambry Variant Classification Scheme 2023. Collection method: clinical testing. Allele origin: germline.

Labcorp Genetics (formerly Invitae), Labcorp
Classification: Uncertain significance. Last evaluated: 2023-10-11. Review status: criteria provided, single submitter. Criteria: Invitae Variant Classification Sherloc (09022015). Collection method: clinical testing. Allele origin: germline.
Comment: This sequence change replaces valine, which is neutral and non-polar, with isoleucine, which is neutral and non-polar, at codon 2127 of the BPTF protein (p.Val2127Ile). This variant is present in population databases (rs201775041, gnomAD 0.04%), and has an allele count higher than expected for a pathogenic variant. This variant has not been reported in the literature in individuals affected with BPTF-related conditions. An algorithm developed to predict the effect of missense changes on protein structure and function (PolyPhen-2) suggests that this variant is likely to be disruptive. In summary, the available evidence is currently insufficient to determine the role of this variant in disease. Therefore, it has been classified as a Variant of Uncertain Significance.